The following is an entry in ClinVar:

NM_052813.5(CARD9):c.851A>C (p.Glu284Ala)

Gene: CARD9 (caspase recruitment domain family member 9; minus strand). Cytogenetic location: 9q34.3.
Variant type: single nucleotide variant.
Coding change: c.851A>C on transcript NM_052813.5 (MANE Select); coding-DNA position 851, A replaced by C.
Protein change: p.Glu284Ala; replaces glutamic acid 284 with alanine.
Molecular consequence: missense variant.
Genome position (GRCh38, 1-based): chr9:136,370,394, T>G on the plus strand (A>C on the coding strand, the complement: CARD9 is on the minus strand). VCF-style: chr9-136370394-T-G. GRCh37 (hg19) VCF-style: chr9-139264846-T-G.
Other names: c.851A>C, p.Glu284Ala (NM_052814.4); short protein forms E284A.
Identifiers: ClinVar variation 535812 (VCV000535812.10), dbSNP rs138048592, ClinGen allele CA5332955.
Genomic context (GRCh38, chr9:136,370,394, plus strand): 5'-AGGGAGAAGATGGTGTTGGCCTGCTCCTGGTGGTCCCGCAGCGCCTGCCGCCAGTCCTCC[T>G]CCAGTACCTGGATGTAGGGGCTGCTCCTGTCCAGCTTCCCCTCCTGAAGGGGGCAAAAGG-3'
Protein context (NP_434700.2, residues 274-294): DRSSPYIQVL[Glu284Ala]EDWRQALRDH

ClinVar aggregate classification (germline): Uncertain significance. Review status: criteria provided, multiple submitters, no conflicts (2 of 4 stars). 3 submissions from 3 submitters: Uncertain significance (3). Last evaluated 2022-03-19.

Conditions:
Predisposition to invasive fungal disease due to CARD9 deficiency (IMD103). Also called: CARD9 IMMUNODEFICIENCY; IMMUNODEFICIENCY 103, SUSCEPTIBILITY TO FUNGAL INFECTIONS; Candidiasis, familial, 2, autosomal recessive. Identifiers: Orphanet 457088, MedGen C1859353, MONDO:0008905, OMIM 212050.
Inborn genetic diseases. Identifiers: MedGen C0950123, MeSH D030342.

Allele frequency attached by ClinVar (database versions not stated): gnomAD exomes 0.00003 and 0.00009; ExAC 0.00014; 1000 Genomes Project 30x 0.00016; 1000 Genomes Project 0.00020; gnomAD 0.00024 and 0.00029; TOPMed 0.00031; ESP Exome Variant Server 0.00039.
gnomAD v4.1: 79 of 1,611,336 alleles (0.0049%); highest among the groups gnomAD compares: African/African-American, 0.092%; no homozygotes.

Submissions (3):

Labcorp Genetics (formerly Invitae), Labcorp
Classification: Uncertain significance for Predisposition to invasive fungal disease due to CARD9 deficiency. Last evaluated: 2022-03-19. Review status: criteria provided, single submitter. Criteria: Invitae Variant Classification Sherloc (09022015). Collection method: clinical testing. Allele origin: germline.
Comment: This sequence change replaces glutamic acid, which is acidic and polar, with alanine, which is neutral and non-polar, at codon 284 of the CARD9 protein (p.Glu284Ala). This variant is present in population databases (rs138048592, gnomAD 0.1%). This variant has not been reported in the literature in individuals affected with CARD9-related conditions. ClinVar contains an entry for this variant (Variation ID: 535812). Algorithms developed to predict the effect of missense changes on protein structure and function are either unavailable or do not agree on the potential impact of this missense change (SIFT: "Deleterious"; PolyPhen-2: "Benign"; Align-GVGD: "Class C0"). In summary, the available evidence is currently insufficient to determine the role of this variant in disease. Therefore, it has been classified as a Variant of Uncertain Significance.

Ambry Genetics
Classification: Uncertain significance for Inborn genetic diseases. Last evaluated: 2021-10-12. Review status: criteria provided, single submitter. Criteria: Ambry Variant Classification Scheme 2023. Collection method: clinical testing. Allele origin: germline.

Illumina Laboratory Services, Illumina
Classification: Uncertain significance for Predisposition to invasive fungal disease due to CARD9 deficiency. Last evaluated: 2018-01-13. Review status: criteria provided, single submitter. Criteria: ICSL Variant Classification Criteria 13 December 2019. Collection method: clinical testing. Allele origin: germline.